The following is an entry in ClinVar:

ClinVar aggregate classification (germline): Likely benign. Review status: criteria provided, single submitter (1 of 4 stars). 2 submissions from 2 submitters: Likely benign (1). 1 of the submissions does not count toward it. Last evaluated 2025-01-01.

Conditions:
PKD1L1-related disorder. Also called: PKD1L1-related condition.

Allele frequency attached by ClinVar (database versions not stated): gnomAD 0.00001; ExAC 0.00006.
gnomAD v4.1: 61 of 1,613,136 alleles (0.0038%); highest among the groups gnomAD compares: Admixed American, 0.022%; no homozygotes.

Submissions (2):

Labcorp Genetics (formerly Invitae), Labcorp
Classification: Likely benign. Last evaluated: 2025-01-01. Review status: criteria provided, single submitter. Criteria: Invitae Variant Classification Sherloc (09022015). Collection method: clinical testing. Allele origin: germline.

PreventionGenetics, part of Exact Sciences
Classification: Likely benign for PKD1L1-related condition. Last evaluated: 2022-11-22. Review status: no assertion criteria provided. Collection method: clinical testing. Allele origin: germline. Not counted in ClinVar's aggregate classification.
Comment: This variant is classified as likely benign based on ACMG/AMP sequence variant interpretation guidelines (Richards et al. 2015 PMID: 25741868, with internal and published modifications).

NM_138295.5(PKD1L1):c.2064+9G>A

Gene: PKD1L1 (polycystin 1 like 1, transient receptor potential channel interacting; minus strand). Cytogenetic location: 7p12.3.
Variant type: single nucleotide variant.
Coding change: c.2064+9G>A on transcript NM_138295.5 (MANE Select); 9 bases into the intron after coding-DNA position 2064, G replaced by A.
Molecular consequence: intron variant.
Genome position (GRCh38, 1-based): chr7:47,902,370, C>T on the plus strand (G>A on the coding strand, the complement: PKD1L1 is on the minus strand). VCF-style: chr7-47902370-C-T. GRCh37 (hg19) VCF-style: chr7-47941967-C-T.
Identifiers: ClinVar variation 3032055 (VCV003032055.4), dbSNP rs777636790, ClinGen allele CA4253871.
Genomic context (GRCh38, chr7:47,902,370, plus strand): 5'-AACAGTGGTCCCAACTCAGAGGGAGGCTGAAAAGAGGCTGGTGGAGGATTTCCCAGACTC[C>T]GAGCCTACCTGGACTTTCCCAGGCCCCATGTTCTTCACCAGGGGTGGCTGGCAGGGCTCG-3'